The following is an entry in ClinVar:

ClinVar aggregate classification (germline): Uncertain significance (1 of 4 stars; one submission).

Conditions:
Pallister-Hall syndrome (PHS). Also called: HYPOTHALAMIC HAMARTOBLASTOMA, HYPOPITUITARISM, IMPERFORATE ANUS, AND POSTAXIAL POLYDACTYLY; GLI3-Related Pallister-Hall Syndrome. Identifiers: Orphanet 672, MedGen C0265220, MONDO:0007804, OMIM 146510.
Greig cephalopolysyndactyly syndrome (GCPS). Also called: GLI3-Related Greig Cephalopolysyndactyly Syndrome; POLYSYNDACTYLY WITH PECULIAR SKULL SHAPE; Greig syndrome. Identifiers: Orphanet 380, MedGen C0265306, MONDO:0008287, OMIM 175700.

Submission:

Labcorp Genetics (formerly Invitae), Labcorp
Classification: Uncertain significance for Pallister-Hall syndrome; Greig cephalopolysyndactyly syndrome. Last evaluated: 2024-03-12. Review status: criteria provided, single submitter. Criteria: Invitae Variant Classification Sherloc (09022015). Collection method: clinical testing. Allele origin: germline.
Comment: This sequence change replaces isoleucine, which is neutral and non-polar, with leucine, which is neutral and non-polar, at codon 796 of the GLI3 protein (p.Ile796Leu). This variant is not present in population databases (gnomAD no frequency). This variant has not been reported in the literature in individuals affected with GLI3-related conditions. Advanced modeling of protein sequence and biophysical properties (such as structural, functional, and spatial information, amino acid conservation, physicochemical variation, residue mobility, and thermodynamic stability) performed at Invitae indicates that this missense variant is not expected to disrupt GLI3 protein function with a negative predictive value of 80%. In summary, the available evidence is currently insufficient to determine the role of this variant in disease. Therefore, it has been classified as a Variant of Uncertain Significance.

NM_000168.6(GLI3):c.2386A>C (p.Ile796Leu)

Gene: GLI3 (GLI family zinc finger 3; minus strand). Cytogenetic location: 7p14.1.
Variant type: single nucleotide variant.
Coding change: c.2386A>C on transcript NM_000168.6 (MANE Select); coding-DNA position 2386, A replaced by C.
Protein change: p.Ile796Leu; replaces isoleucine 796 with leucine.
Molecular consequence: missense variant.
Genome position (GRCh38, 1-based): chr7:41,967,641, T>G on the plus strand (A>C on the coding strand, the complement: GLI3 is on the minus strand). VCF-style: chr7-41967641-T-G. GRCh37 (hg19) VCF-style: chr7-42007239-T-G.
Other names: short protein forms I796L.
Identifiers: ClinVar variation 3753158 (VCV003753158.2).